The following is an entry in ClinVar:

NM_054027.6(ANKH):c.314-13C>T

Gene: ANKH (ANKH inorganic pyrophosphate transport regulator; minus strand). Cytogenetic location: 5p15.2.
Variant type: single nucleotide variant.
Coding change: c.314-13C>T on transcript NM_054027.6 (MANE Select); 13 bases into the intron before coding-DNA position 314, C replaced by T.
Molecular consequence: intron variant.
Genome position (GRCh38, 1-based): chr5:14,758,611, G>A on the plus strand (C>T on the coding strand, the complement: ANKH is on the minus strand). VCF-style: chr5-14758611-G-A. GRCh37 (hg19) VCF-style: chr5-14758720-G-A.
Identifiers: ClinVar variation 351556 (VCV000351556.16), dbSNP rs201856062, ClinGen allele CA3209152.

ClinVar aggregate classification (germline): Benign/Likely benign. Review status: criteria provided, multiple submitters, no conflicts (2 of 4 stars). 5 submissions from 4 submitters: Benign (3); Likely benign (2). Last evaluated 2026-01-12.

Conditions:
Chondrocalcinosis 2. Also called: CALCIUM GOUT; CALCIUM PYROPHOSPHATE ARTHROPATHY; Familial calcium pyrophosphate deposition. Identifiers: Orphanet 1416, MedGen C0856830, MONDO:0007319, OMIM 118600.
Craniometaphyseal dysplasia, autosomal dominant (CMDD). Identifiers: Orphanet 1522, MedGen C1852502, MONDO:0007397, OMIM 123000.

Allele frequency attached by ClinVar (database versions not stated): ExAC 0.00015; gnomAD 0.00016 and 0.00017; gnomAD exomes 0.00016 and 0.00029; TOPMed 0.00018; ESP Exome Variant Server 0.00031.
gnomAD v4.1: 408 of 1,503,486 alleles (0.027%); highest among the groups gnomAD compares: Non-Finnish European, 0.035%; no homozygotes.

Submissions (5):

Labcorp Genetics (formerly Invitae), Labcorp
Classification: Likely benign. Last evaluated: 2026-01-12. Review status: criteria provided, single submitter. Criteria: Invitae Variant Classification Sherloc (09022015). Collection method: clinical testing. Allele origin: germline.

Genome-Nilou Lab
Classification: Benign for Craniometaphyseal dysplasia, autosomal dominant. Last evaluated: 2021-12-05. Review status: criteria provided, single submitter. Criteria: ACMG Guidelines, 2015. Collection method: clinical testing. Allele origin: germline. Affected: no.

GeneDx
Classification: Likely benign. Last evaluated: 2020-11-17. Review status: criteria provided, single submitter. Criteria: GeneDx Variant Classification Process June 2021. Collection method: clinical testing. Allele origin: germline. Affected: yes.

Illumina Laboratory Services, Illumina
Classification: Benign for Chondrocalcinosis 2. Last evaluated: 2018-01-13. Review status: criteria provided, single submitter. Criteria: ICSL Variant Classification Criteria 13 December 2019. Collection method: clinical testing. Allele origin: germline.
Comment: This variant was observed in the ICSL laboratory as part of a predisposition screen in an ostensibly healthy population. It had not been previously curated by ICSL or reported in the Human Gene Mutation Database (HGMD: prior to June 1st, 2018), and was therefore a candidate for classification through an automated scoring system. Utilizing variant allele frequency, disease prevalence and penetrance estimates, and inheritance mode, an automated score was calculated to assess if this variant is too frequent to cause the disease. Based on the score and internal cut-off values, a variant classified as benign is not then subjected to further curation. The score for this variant resulted in a classification of benign for this disease.

Illumina Laboratory Services, Illumina
Classification: Benign for Craniometaphyseal dysplasia, autosomal dominant. Last evaluated: 2018-01-13. Review status: criteria provided, single submitter. Criteria: ICSL Variant Classification Criteria 13 December 2019. Collection method: clinical testing. Allele origin: germline.
Comment: the same text as in the submission from Illumina Laboratory Services, Illumina above.